The following is an entry in ClinVar:

ClinVar aggregate classification (germline): Benign. Review status: criteria provided, multiple submitters, no conflicts (2 of 4 stars). 5 submissions from 5 submitters: Benign (5). Last evaluated 2026-02-04.

Conditions:
Immunodeficiency due to CD25 deficiency. Also called: IMMUNODEFICIENCY 41 WITH LYMPHOPROLIFERATION AND AUTOIMMUNITY; CD25 DEFICIENCY; IL2RA DEFICIENCY. Identifiers: Orphanet 169100, MedGen C1853392, MONDO:0011664, OMIM 606367.

Allele frequency attached by ClinVar (database versions not stated): gnomAD exomes 0.03370 and 0.04231; ExAC 0.04726; gnomAD 0.07851 and 0.08221; 1000 Genomes Project 0.08187; TOPMed 0.08593; ESP Exome Variant Server 0.08734; 1000 Genomes Project 30x 0.08885.
gnomAD v4.1: 61,639 of 1,613,062 alleles (3.8%); highest among the groups gnomAD compares: African/African-American, 21%; 2,597 homozygotes.

Submissions (5):

Labcorp Genetics (formerly Invitae), Labcorp
Classification: Benign for Immunodeficiency due to CD25 deficiency. Last evaluated: 2026-02-04. Review status: criteria provided, single submitter. Criteria: Invitae Variant Classification Sherloc (09022015). Collection method: clinical testing. Allele origin: germline.

Mayo Clinic Laboratories, Mayo Clinic
Classification: Benign. Last evaluated: 2018-06-11. Review status: criteria provided, single submitter. Criteria: ACMG Guidelines, 2015. Collection method: clinical testing. Allele origin: germline. Observed: 117 variant alleles.

Illumina Laboratory Services, Illumina
Classification: Benign for Immunodeficiency due to CD25 deficiency. Last evaluated: 2018-01-13. Review status: criteria provided, single submitter. Criteria: ICSL Variant Classification Criteria 13 December 2019. Collection method: clinical testing. Allele origin: germline.
Comment: This variant was observed in the ICSL laboratory as part of a predisposition screen in an ostensibly healthy population. It had not been previously curated by ICSL or reported in the Human Gene Mutation Database (HGMD: prior to June 1st, 2018), and was therefore a candidate for classification through an automated scoring system. Utilizing variant allele frequency, disease prevalence and penetrance estimates, and inheritance mode, an automated score was calculated to assess if this variant is too frequent to cause the disease. Based on the score and internal cut-off values, a variant classified as benign is not then subjected to further curation. The score for this variant resulted in a classification of benign for this disease.

Laboratory for Molecular Medicine, Mass General Brigham Personalized Medicine
Classification: Benign. Last evaluated: 2016-03-28. Review status: criteria provided, single submitter. Criteria: LMM Criteria. Collection method: clinical testing. Allele origin: germline.
Comment: Variant identified in a genome or exome case(s) and assessed due to predicted null impact of the variant or pathogenic assertions in the literature or databases. Disclaimer: This variant has not undergone full assessment. The following are preliminary notes: Frequency

Breakthrough Genomics
Classification: Benign. Review status: criteria provided, single submitter. Criteria: ACMG Guidelines, 2015. Collection method: not provided. Allele origin: germline. Inheritance: Autosomal recessive inheritance. Affected: yes.

NM_000417.3(IL2RA):c.84G>A (p.Pro28=)

Gene: IL2RA (interleukin 2 receptor subunit alpha; minus strand). Cytogenetic location: 10p15.1.
Variant type: single nucleotide variant.
Coding change: c.84G>A on transcript NM_000417.3 (MANE Select); coding-DNA position 84, G replaced by A.
Protein change: p.Pro28=; no amino-acid change (proline 28 retained).
Molecular consequence: synonymous variant.
Genome position (GRCh38, 1-based): chr10:6,026,006, C>T on the plus strand (G>A on the coding strand, the complement: IL2RA is on the minus strand). VCF-style: chr10-6026006-C-T. GRCh37 (hg19) VCF-style: chr10-6067969-C-T.
Other names: p.Pro28=; c.84G>A, p.Pro28= (NM_001308242.2, NM_001308243.2).
Identifiers: ClinVar variation 300261 (VCV000300261.19), dbSNP rs2228150, ClinGen allele CA5397548.